The following is an entry in ClinVar:

ClinVar aggregate classification (germline): Uncertain significance. Review status: criteria provided, multiple submitters, no conflicts (2 of 4 stars). 2 submissions from 2 submitters: Uncertain significance (2). Last evaluated 2025-02-15.

gnomAD v4.1: 43 of 1,407,490 alleles (0.0031%); highest among the groups gnomAD compares: African/African-American, 0.056%; no homozygotes.

Submissions (2):

Dasa
Classification: Uncertain significance. Last evaluated: 2025-02-15. Review status: criteria provided, single submitter. Criteria: DASA Assertion Criteria. Collection method: clinical testing. Allele origin: germline.
Comment: NM_005035.4(POLRMT):c.2255C>T (p.Pro752Leu) is a missense variant that results in the substitution of proline with leucine. This variant is rare in population databases. Computational prediction algorithms are consistent with a benign effect. The currently available literature and clinical evidence are not sufficient to establish a definitive association between this variant and the reported condition. Therefore, this variant is classified as a variant of uncertain significance.

Ambry Genetics
Classification: Uncertain significance. Last evaluated: 2025-01-24. Review status: criteria provided, single submitter. Criteria: Ambry Variant Classification Scheme 2023. Collection method: clinical testing. Allele origin: germline.

NM_005035.4(POLRMT):c.2255C>T (p.Pro752Leu)

Gene: POLRMT (RNA polymerase mitochondrial; minus strand). Cytogenetic location: 19p13.3.
Variant type: single nucleotide variant.
Coding change: c.2255C>T on transcript NM_005035.4 (MANE Select); coding-DNA position 2255, C replaced by T.
Protein change: p.Pro752Leu; replaces proline 752 with leucine.
Molecular consequence: missense variant. On other transcripts: non-coding transcript variant (1).
Genome position (GRCh38, 1-based): chr19:621,443, G>A on the plus strand (C>T on the coding strand, the complement: POLRMT is on the minus strand). VCF-style: chr19-621443-G-A. GRCh37 (hg19) VCF-style: chr19-621443-G-A.
Other names: c.2255C>T, p.Pro752Leu (NM_001407805.1, NM_001407808.1, NM_001407812.1 and 4 more transcripts); c.2246C>T, p.Pro749Leu (NM_001407806.1, NM_001407809.1); c.2243C>T, p.Pro748Leu (NM_001407807.1, NM_001407810.1); c.2213C>T, p.Pro738Leu (NM_001407811.1, NM_001407813.1); c.2030C>T, p.Pro677Leu (NM_001407830.1, NM_001407832.1); c.1931C>T, p.Pro644Leu (NM_001407831.1, NM_001407833.1, NM_001407835.1 and 1 more transcripts); c.1922C>T, p.Pro641Leu (NM_001407834.1); short protein forms P738L, P749L, P644L, P677L, P752L, P641L, P748L.
Identifiers: ClinVar variation 3781831 (VCV003781831.3).